The following is an entry in ClinVar:

NM_014339.7(IL17RA):c.73G>C (p.Val25Leu)

Gene: IL17RA (interleukin 17 receptor A; plus strand). Cytogenetic location: 22q11.1.
Variant type: single nucleotide variant.
Coding change: c.73G>C on transcript NM_014339.7 (MANE Select); coding-DNA position 73, G replaced by C.
Protein change: p.Val25Leu; replaces valine 25 with leucine.
Molecular consequence: missense variant.
Genome position (GRCh38, 1-based): chr22:17,085,164, G>C. VCF-style: chr22-17085164-G-C. GRCh37 (hg19) VCF-style: chr22-17566054-G-C.
Other names: c.73G>C, p.Val25Leu (NM_001289905.2); c.73G>C (NM_014339.5); short protein forms V25L.
Identifiers: ClinVar variation 837105 (VCV000837105.9), dbSNP rs1297016157, ClinGen allele CA410210189.

ClinVar aggregate classification (germline): Uncertain significance. Review status: criteria provided, multiple submitters, no conflicts (2 of 4 stars). 2 submissions from 2 submitters: Uncertain significance (2). Last evaluated 2025-08-02.

Conditions:
Immunodeficiency 51 (IMD51). Also called: CANDIDIASIS, FAMILIAL, 5. Identifiers: Orphanet 1334, MedGen C4310803, MONDO:0013500, OMIM 613953.

Allele frequency attached by ClinVar (database versions not stated): gnomAD 0.00005 and 0.00006; TOPMed 0.00005; 1000 Genomes Project 30x 0.00031.
gnomAD v4.1: 18 of 1,522,150 alleles (0.0012%); highest among the groups gnomAD compares: African/African-American, 0.025%; 1 homozygote.

Submissions (2):

Ambry Genetics
Classification: Uncertain significance. Last evaluated: 2025-08-02. Review status: criteria provided, single submitter. Criteria: Ambry Variant Classification Scheme 2023. Collection method: clinical testing. Allele origin: germline.

Labcorp Genetics (formerly Invitae), Labcorp
Classification: Uncertain significance for Immunodeficiency 51. Last evaluated: 2022-06-07. Review status: criteria provided, single submitter. Criteria: Invitae Variant Classification Sherloc (09022015). Collection method: clinical testing. Allele origin: germline.
Comment: This sequence change replaces valine, which is neutral and non-polar, with leucine, which is neutral and non-polar, at codon 25 of the IL17RA protein (p.Val25Leu). This variant is present in population databases (no rsID available, gnomAD 0.01%). This variant has not been reported in the literature in individuals affected with IL17RA-related conditions. ClinVar contains an entry for this variant (Variation ID: 837105). Algorithms developed to predict the effect of missense changes on protein structure and function are either unavailable or do not agree on the potential impact of this missense change (SIFT: "Tolerated"; PolyPhen-2: "Not Available"; Align-GVGD: "Class C0"). In summary, the available evidence is currently insufficient to determine the role of this variant in disease. Therefore, it has been classified as a Variant of Uncertain Significance.